The following is an entry in ClinVar:

ClinVar aggregate classification (germline): Pathogenic (1 of 4 stars; one submission).

Conditions:
Hyper-IgE recurrent infection syndrome 3, autosomal recessive. Also called: Autosomal recessive hyper-IgE syndrome due to ZNF341 deficiency; HYPER-IgE SYNDROME 3, AUTOSOMAL RECESSIVE, WITH RECURRENT INFECTIONS. Identifiers: Orphanet 641368, MedGen C4748969, MONDO:0032654, OMIM 618282.

Submission:

Labcorp Genetics (formerly Invitae), Labcorp
Classification: Pathogenic for Combined immunodeficiency due to DOCK8 deficiency. Last evaluated: 2022-07-21. Review status: criteria provided, single submitter. Criteria: Invitae Variant Classification Sherloc (09022015). Collection method: clinical testing. Allele origin: germline.
Comment: For these reasons, this variant has been classified as Pathogenic. This variant has not been reported in the literature in individuals affected with DOCK8-related conditions. This variant is a gross deletion of the genomic region encompassing exon(s) 19-20 of the DOCK8 gene. This deletion is out-of-frame, and is expected to create a premature termination codon and result in an absent or disrupted protein product. Loss-of-function variants in DOCK8 are known to be pathogenic (PMID: 14722525, 19776401).

Literature cited by the submitters: PubMed 14722525; PubMed 19776401.

NC_000009.11:g.(?_376190)_(377231_?)del

Gene: DOCK8 (dedicator of cytokinesis 8; plus strand). Cytogenetic location: 9p24.3.
Variant type: Deletion.
Identifiers: ClinVar variation 2427695 (VCV002427695.8).